The following is an entry in ClinVar:

ClinVar aggregate classification (germline): Likely benign. Review status: criteria provided, multiple submitters, no conflicts (2 of 4 stars). 3 submissions from 3 submitters: Likely benign (3). Last evaluated 2021-02-26.

Conditions:
Hereditary spastic paraplegia 31. Also called: SPASTIC PARAPLEGIA 31, AUTOSOMAL DOMINANT. Identifiers: Orphanet 101011, MedGen C1853247, MONDO:0012453, OMIM 610250.

Allele frequency attached by ClinVar (database versions not stated): 1000 Genomes Project 30x 0.00703; 1000 Genomes Project 0.00719; gnomAD 0.01271; TOPMed 0.01426.

Submissions (3):

GeneDx
Classification: Likely benign. Last evaluated: 2021-02-26. Review status: criteria provided, single submitter. Criteria: GeneDx Variant Classification Process June 2021. Collection method: clinical testing. Allele origin: germline. Affected: yes.

Illumina Laboratory Services, Illumina
Classification: Likely benign for Hereditary spastic paraplegia 31. Last evaluated: 2017-04-27. Review status: criteria provided, single submitter. Criteria: ICSL Variant Classification Criteria 13 December 2019. Collection method: clinical testing. Allele origin: germline.
Comment: This variant was observed as part of a predisposition screen in an ostensibly healthy population. A literature search was performed for the gene, cDNA change, and amino acid change (where applicable). No publications were found based on this search. Allele frequency data from public databases allowed determination this variant is unlikely to cause disease. Therefore, this variant is classified as likely benign.

Breakthrough Genomics
Classification: Likely benign. Review status: criteria provided, single submitter. Criteria: ACMG Guidelines, 2015. Collection method: not provided. Allele origin: germline. Inheritance: Autosomal recessive inheritance. Affected: yes.

NM_001371279.1(REEP1):c.*737T>C

Gene: REEP1 (receptor accessory protein 1; minus strand). Cytogenetic location: 2p11.2.
Variant type: single nucleotide variant.
Coding change: c.*737T>C on transcript NM_001371279.1 (MANE Select); 737 bases downstream of the stop codon, T replaced by C.
Molecular consequence: 3 prime UTR variant.
Genome position (GRCh38, 1-based): chr2:86,216,302, A>G on the plus strand (T>C on the coding strand, the complement: REEP1 is on the minus strand). VCF-style: chr2-86216302-A-G. GRCh37 (hg19) VCF-style: chr2-86443425-A-G.
Other names: c.*798T>C (NM_001164730.2, NM_001164731.2, NM_022912.3); c.*737T>C (NM_001164732.2, NM_001371280.1).
Identifiers: ClinVar variation 337380 (VCV000337380.8), dbSNP rs150465452, ClinGen allele CA10614588.